The following is an entry in ClinVar:

NM_018690.4(APOBR):c.2492C>T (p.Ser831Phe)

Gene: APOBR (apolipoprotein B receptor; plus strand). Cytogenetic location: 16p12.1.
Variant type: single nucleotide variant.
Coding change: c.2492C>T on transcript NM_018690.4 (MANE Select); coding-DNA position 2492, C replaced by T.
Protein change: p.Ser831Phe; replaces serine 831 with phenylalanine.
Molecular consequence: missense variant.
Genome position (GRCh38, 1-based): chr16:28,497,533, C>T. VCF-style: chr16-28497533-C-T. GRCh37 (hg19) VCF-style: chr16-28508854-C-T.
Other names: c.2465C>T, p.Ser822Phe (NM_001424171.1, NM_182804.1); short protein forms S822F, S831F.
Identifiers: ClinVar variation 2646349 (VCV002646349.24), dbSNP rs1193081979, ClinGen allele CA395360581.
Genomic context (GRCh38, chr16:28,497,533, plus strand): 5'-TGGAGGGCTCAGCAGAGGAAGAGGTGACTGGCAGAGGCAGCCAAGTAGAGGCTTTTGAGT[C>T]CAGGGAGGGAGGACCTTGGGGAGGGCGGGTAGAGGCCGAGGAATCTGCAGGCGCAGAGGA-3'
Protein context (NP_061160.3, residues 821-841): GRGSQVEAFE[Ser831Phe]REGGPWGGRV

ClinVar aggregate classification (germline): Likely benign (1 of 4 stars; one submission).

Allele frequency attached by ClinVar (database versions not stated): gnomAD exomes below 0.00001.
gnomAD v4.1: 6 of 1,610,168 alleles (0.00037%); highest among the groups gnomAD compares: Non-Finnish European, 0.00042%; no homozygotes.

Submission:

CeGaT Center for Human Genetics Tuebingen
Classification: Likely benign. Last evaluated: 2022-03-01. Review status: criteria provided, single submitter. Criteria: CeGaT Center For Human Genetics Tuebingen Variant Classification Criteria Version 2. Collection method: clinical testing. Allele origin: germline. Affected: yes. Observed: 1 variant allele.
Comment: APOBR: BP4